The following is an entry in ClinVar:

ClinVar aggregate classification (germline): Benign (1 of 4 stars; one submission).

Allele frequency attached by ClinVar (database versions not stated): gnomAD 0.39775 and 0.39983; TOPMed 0.40693; 1000 Genomes Project 30x 0.42364; 1000 Genomes Project 0.42492.
gnomAD v4.1: 60,426 of 151,954 alleles (40%); highest among the groups gnomAD compares: East Asian, 52%; 12,710 homozygotes.

Submission:

GeneDx
Classification: Benign. Last evaluated: 2018-06-19. Review status: criteria provided, single submitter. Criteria: GeneDx Variant Classification (06012015). Collection method: clinical testing. Allele origin: germline. Affected: yes.
Comment: This variant is considered likely benign or benign based on one or more of the following criteria: it is a conservative change, it occurs at a poorly conserved position in the protein, it is predicted to be benign by multiple in silico algorithms, and/or has population frequency not consistent with disease.

NM_014244.5(ADAMTS2):c.689-289G>A

Gene: ADAMTS2 (ADAM metallopeptidase with thrombospondin type 1 motif 2; minus strand). Cytogenetic location: 5q35.3.
Variant type: single nucleotide variant.
Coding change: c.689-289G>A on transcript NM_014244.5 (MANE Select); 289 bases into the intron before coding-DNA position 689, G replaced by A.
Molecular consequence: intron variant.
Genome position (GRCh38, 1-based): chr5:179,208,004, C>T on the plus strand (G>A on the coding strand, the complement: ADAMTS2 is on the minus strand). VCF-style: chr5-179208004-C-T. GRCh37 (hg19) VCF-style: chr5-178635005-C-T.
Other names: c.689-289G>A (NM_021599.4).
Identifiers: ClinVar variation 682686 (VCV000682686.1), dbSNP rs416646, ClinGen allele CA12043579.